The following is an entry in ClinVar:

NM_000465.4(BARD1):c.1970_1972delinsGTCCAT (p.Pro657_Arg658delinsArgProCys)

Gene: BARD1 (BRCA1 associated RING domain 1; minus strand). Cytogenetic location: 2q35.
Variant type: Indel.
Coding change: c.1970_1972delinsGTCCAT on transcript NM_000465.4 (MANE Select); coding-DNA positions 1970 to 1972, CAC replaced by GTCCAT.
Protein change: p.Pro657_Arg658delinsArgProCys.
Molecular consequence: inframe indel. On other transcripts: non-coding transcript variant (3).
Genome position (GRCh38, 1-based): chr2:214,730,440-214,730,442, GTG replaced by ATGGAC on the plus strand (CAC replaced by GTCCAT on the coding strand, the reverse complement: BARD1 is on the minus strand). VCF-style: chr2-214730440-GTG-ATGGAC. GRCh37 (hg19) VCF-style: chr2-215595164-GTG-ATGGAC.
Other names: c.1913_1915delinsGTCCAT, p.Pro638_Arg639delinsArgProCys (NM_001282543.2); c.617_619delinsGTCCAT, p.Pro206_Arg207delinsArgProCys (NM_001282545.2); c.560_562delinsGTCCAT, p.Pro187_Arg188delinsArgProCys (NM_001282548.2); c.431_433delinsGTCCAT, p.Pro144_Arg145delinsArgProCys (NM_001282549.2); c.1970_1972delCACinsGTCCAT (NM_000465.2).
Identifiers: ClinVar variation 2774775 (VCV002774775.3), dbSNP rs2469277044, ClinGen allele CA2697550332.
Genomic context (GRCh38, chr2:214,730,440, plus strand): 5'-AACAATGAAAGTTGTATTAAAAGAAAAATACCAGCTGTTCTCTGTTGAGCCTGCTTCTGC[GTG>ATGGAC]GACCTTCAGGAATTTCATACTTTTCTTCCTGTTCACATACTTTTCTTCGTAGACATGCTT-3'

ClinVar aggregate classification (germline): Uncertain significance. Review status: criteria provided, multiple submitters, no conflicts (2 of 4 stars). 2 submissions from 2 submitters: Uncertain significance (2). Last evaluated 2025-01-09.

Conditions:
Hereditary cancer-predisposing syndrome. Also called: Neoplastic Syndromes, Hereditary; Tumor predisposition; Hereditary Cancer Syndrome; Hereditary neoplastic syndrome. Identifiers: Orphanet 140162, MedGen C0027672, MeSH D009386, MONDO:0015356.

Submissions (2):

Ambry Genetics
Classification: Uncertain significance for Hereditary cancer-predisposing syndrome. Last evaluated: 2025-01-09. Review status: criteria provided, single submitter. Criteria: Ambry Variant Classification Scheme 2023. Collection method: clinical testing. Allele origin: germline.
Comment: The c.1970_1972delCACinsGTCCAT variant (also known as p.P657_R658delinsRPC), located in coding exon 10 of the BARD1 gene, results from an in-frame deletion of CAC and insertion of GTCCAT at nucleotide positions 1970 to 1972. This results in the substitution of proline and arginine residues for arginine, proline, and cysteine residues at codons 657 and 658. This amino acid region is poorly conserved in available vertebrate species. In addition, this alteration is predicted to be deleterious by in silico analysis (Choi Y et al. PLoS ONE. 2012; 7(10):e46688). Based on the available evidence, the clinical significance of this variant remains unclear.

Color Diagnostics, LLC DBA Color Health
Classification: Uncertain significance for Hereditary cancer-predisposing syndrome. Last evaluated: 2022-07-26. Review status: criteria provided, single submitter. Criteria: ACMG Guidelines, 2015. Collection method: clinical testing. Allele origin: germline.
Comment: This indel variant replaces the amino acid sequence Pro-Arg with Arg-Pro-Cys in exon 10 of the BARD1 protein. To our knowledge, functional studies have not been reported for this variant. This variant has not been reported in individuals affected with hereditary cancer in the literature. This variant has not been identified in the general population by the Genome Aggregation Database (gnomAD). The available evidence is insufficient to determine the role of this variant in disease conclusively. Therefore, this variant is classified as a Variant of Uncertain Significance.